The following is an entry in ClinVar:

ClinVar aggregate classification (germline): Uncertain significance (1 of 4 stars; one submission).

Conditions:
Medium-chain acyl-coenzyme A dehydrogenase deficiency (ACADMD). Also called: ACADM DEFICIENCY; CARNITINE DEFICIENCY SECONDARY TO MEDIUM-CHAIN ACYL-CoA DEHYDROGENASE DEFICIENCY; Medium chain acyl-CoA dehydrogenase deficiency; MCADH DEFICIENCY; MCADD; MCAD Deficiency. Identifiers: Orphanet 42, MedGen C0220710, MONDO:0008721, OMIM 201450.

Submission:

Labcorp Genetics (formerly Invitae), Labcorp
Classification: Uncertain significance for Medium-chain acyl-coenzyme A dehydrogenase deficiency. Last evaluated: 2024-11-07. Review status: criteria provided, single submitter. Criteria: Invitae Variant Classification Sherloc (09022015). Collection method: clinical testing. Allele origin: germline.
Comment: This sequence change replaces glycine, which is neutral and non-polar, with glutamic acid, which is acidic and polar, at codon 115 of the ACADM protein (p.Gly115Glu). This variant is not present in population databases (gnomAD no frequency). This variant has not been reported in the literature in individuals affected with ACADM-related conditions. Invitae Evidence Modeling of protein sequence and biophysical properties (such as structural, functional, and spatial information, amino acid conservation, physicochemical variation, residue mobility, and thermodynamic stability) indicates that this missense variant is expected to disrupt ACADM protein function with a positive predictive value of 80%. In summary, the available evidence is currently insufficient to determine the role of this variant in disease. Therefore, it has been classified as a Variant of Uncertain Significance.

NM_000016.6(ACADM):c.344G>A (p.Gly115Glu)

Gene: ACADM (acyl-CoA dehydrogenase medium chain; plus strand). Cytogenetic location: 1p31.1.
Variant type: single nucleotide variant.
Coding change: c.344G>A on transcript NM_000016.6 (MANE Select); coding-DNA position 344, G replaced by A.
Protein change: p.Gly115Glu; replaces glycine 115 with glutamic acid.
Molecular consequence: missense variant. On other transcripts: intron variant (1).
Genome position (GRCh38, 1-based): chr1:75,733,585, G>A. VCF-style: chr1-75733585-G-A. GRCh37 (hg19) VCF-style: chr1-76199270-G-A.
Other names: c.356G>A, p.Gly119Glu (NM_001127328.3); c.236G>A, p.Gly79Glu (NM_001286042.2); c.443G>A, p.Gly148Glu (NM_001286043.2); c.-100+663G>A (NM_001286044.2); short protein forms G79E, G115E, G119E, G148E.
Identifiers: ClinVar variation 3656469 (VCV003656469.2).